The following is an entry in ClinVar:

NM_014319.5(LEMD3):c.387del (p.Ala130fs)

Genes: LEMD3 (LEM domain containing 3; plus strand), LOC130008224 (ATAC-STARR-seq lymphoblastoid silent region 4630; plus strand). Cytogenetic location: 12q14.3.
Variant type: Deletion.
Coding change: c.387del on transcript NM_014319.5 (MANE Select); coding-DNA position 387, one base deleted (C; older notation c.387delC).
Protein change: p.Ala130fs; shifts the reading frame from alanine 130.
Molecular consequence: frameshift variant.
Genome position (GRCh38, 1-based): chr12:65,169,983, C deleted; the last of 5 consecutive C bases (chr12:65,169,979-65,169,983); deleting any one gives the same sequence. VCF-style (leftmost placement, unchanged base first): chr12-65169978-GC-G. GRCh37 (hg19) VCF-style: chr12-65563758-GC-G.
Other names: c.387del, p.Ala130fs (NM_001167614.2); short protein forms A130fs.
Identifiers: ClinVar variation 2633008 (VCV002633008.1), dbSNP rs2498938371, ClinGen allele CA2619668202.

ClinVar aggregate classification (germline): Likely pathogenic (1 of 4 stars; one submission).

Conditions:
LEMD3-related disorder. Also called: LEMD3-related condition.

Submission:

PreventionGenetics, part of Exact Sciences
Classification: Likely pathogenic for LEMD3-related condition. Last evaluated: 2023-05-18. Review status: criteria provided, single submitter. Criteria: ACMG Guidelines, 2015. Collection method: clinical testing. Allele origin: germline.
Comment: The LEMD3 c.387delC variant is predicted to result in a frameshift and premature protein termination (p.Ala130Argfs*53). To our knowledge, this variant has not been reported in the literature or in a large population database, indicating this variant is rare. Frameshift variants in LEMD3 are expected to be pathogenic. This variant is interpreted as likely pathogenic.